The following is an entry in ClinVar:

NM_001164508.2(NEB):c.12534+3A>G

Gene: NEB (nebulin; minus strand). Cytogenetic location: 2q23.3.
Variant type: single nucleotide variant.
Coding change: c.12534+3A>G on transcript NM_001164508.2 (MANE Select); 3 bases into the intron after coding-DNA position 12534, A replaced by G.
Molecular consequence: intron variant.
Genome position (GRCh38, 1-based): chr2:151,608,470, T>C on the plus strand (A>G on the coding strand, the complement: NEB is on the minus strand). VCF-style: chr2-151608470-T-C. GRCh37 (hg19) VCF-style: chr2-152464984-T-C.
Other names: c.11601+1339A>G (NM_004543.5); c.12534+3A>G (NM_001164507.2, NM_001271208.2).
Identifiers: ClinVar variation 970494 (VCV000970494.8), dbSNP rs2097772131, ClinGen allele CA1139657241.

ClinVar aggregate classification (germline): Uncertain significance. Review status: criteria provided, single submitter (1 of 4 stars). 2 submissions from 2 submitters: Uncertain significance (1). 1 of the submissions does not count toward it. Last evaluated 2024-09-05.

Conditions:
Nemaline myopathy 2 (NEM2). Also called: Nemaline myopathy 2, autosomal recessive. Identifiers: MedGen C1850569, MONDO:0009725, OMIM 256030.

Submissions (2):

Labcorp Genetics (formerly Invitae), Labcorp
Classification: Uncertain significance for Nemaline myopathy 2. Last evaluated: 2024-09-05. Review status: criteria provided, single submitter. Criteria: Invitae Variant Classification Sherloc (09022015). Collection method: clinical testing. Allele origin: germline.
Comment: This variant occurs in a region of NEB (Exons 82-105) consisting of three highly homologous 8-exon repeat units (exons 82-89, exons 90-97, exons 98-105). Sequence variants in this region can be detected, but this assay cannot determine which of the three repeat units is affected, and zygosity is often ambiguous. All variants in this region are reported relative to the exon 82-89 repeat. This sequence change falls in intron 82 of the NEB gene. It does not directly change the encoded amino acid sequence of the NEB protein. It affects a nucleotide within the consensus splice site. The frequency data for this variant in the population databases (gnomAD) is considered unreliable due to the presence of homologous sequence, such as pseudogenes or paralogs, in the genome. This variant has not been reported in the literature in individuals affected with NEB-related conditions. ClinVar contains an entry for this variant (Variation ID: 970494). Variants that disrupt the consensus splice site are a relatively common cause of aberrant splicing (PMID: 17576681, 9536098). Algorithms developed to predict the effect of sequence changes on RNA splicing suggest that this variant is not likely to affect RNA splicing. In summary, the available evidence is currently insufficient to determine the role of this variant in disease. Therefore, it has been classified as a Variant of Uncertain Significance.

Natera, Inc.
Classification: Uncertain significance for Nemaline myopathy type 2. Last evaluated: 2020-01-24. Review status: no assertion criteria provided. Collection method: clinical testing. Allele origin: germline. Not counted in ClinVar's aggregate classification.

Literature cited by the submitters: PubMed 17576681 (cited by Labcorp Genetics (formerly Invitae), Labcorp); PubMed 9536098 (cited by Labcorp Genetics (formerly Invitae), Labcorp).